The following is an entry in ClinVar:

ClinVar aggregate classification (germline): Likely pathogenic (1 of 4 stars; one submission).

Conditions:
Duchenne muscular dystrophy (DMD). Also called: MUSCULAR DYSTROPHY, PSEUDOHYPERTROPHIC PROGRESSIVE, DUCHENNE TYPE; Duchenne Muscular Dystrophy (DMD). Identifiers: Orphanet 98896, MedGen C0013264, MONDO:0010679, OMIM 310200.

Submission:

Labcorp Genetics (formerly Invitae), Labcorp
Classification: Likely pathogenic for Duchenne muscular dystrophy. Last evaluated: 2022-03-17. Review status: criteria provided, single submitter. Criteria: Invitae Variant Classification Sherloc (09022015). Collection method: clinical testing. Allele origin: germline.
Comment: In summary, the currently available evidence indicates that the variant is pathogenic, but additional data are needed to prove that conclusively. Therefore, this variant has been classified as Likely Pathogenic. This variant has not been reported in the literature in individuals affected with DMD-related conditions. This variant is not present in population databases (gnomAD no frequency). This variant results in the deletion of part of exon 51 (c.7348_7542+748delinsTCACCA) of the DMD gene. It is expected to disrupt RNA splicing. Variants that disrupt the donor or acceptor splice site typically lead to a loss of protein function (PMID: 16199547), and loss-of-function variants in DMD are known to be pathogenic (PMID: 16770791, 25007885).

Literature cited by the submitters: PubMed 16199547; PubMed 16770791; PubMed 25007885.

NM_004006.3(DMD):c.7348_7542+748delinsTCACCA

Gene: DMD (dystrophin; minus strand). Cytogenetic location: Xp21.1.
Variant type: Indel.
Coding change: c.7348_7542+748delinsTCACCA on transcript NM_004006.3 (MANE Select); coding-DNA position 7348 through 748 bases into the intron after coding-DNA position 7542, the reference bases replaced by TCACCA.
Molecular consequence: splice donor variant. On other transcripts: initiator codon variant (5).
Genome position (GRCh38, 1-based): chrX:31,773,212-31,774,154, 943 bases replaced. GRCh37 (hg19): chrX:31,791,329-31,792,271.
Other names: c.7324_7518+748delinsTCACCA (NM_000109.4); c.3325_3519+748delinsTCACCA (NM_004011.4); c.3316_3510+748delinsTCACCA (NM_004012.4); c.-33_162+748delinsTCACCA (NM_004023.3, NM_004020.4, NM_004022.3 and 2 more transcripts); c.7336_7530+748delinsTCACCA (NM_004009.3); c.6979_7173+748delinsTCACCA (NM_004010.3).
Identifiers: ClinVar variation 2113569 (VCV002113569.5), dbSNP rs2530821984, ClinGen allele CA2580100588.